The following is an entry in ClinVar:

ClinVar aggregate classification (germline): Conflicting classifications of pathogenicity. Review status: criteria provided, conflicting classifications (1 of 4 stars). 2 submissions from 2 submitters: Uncertain significance (1); Likely benign (1). Last evaluated 2025-05-13.

Conditions:
ADAMTS17-related disorder. Also called: ADAMTS17-related condition.
Weill-Marchesani 4 syndrome, recessive. Also called: Weill-Marchesani syndrome 4. Identifiers: Orphanet 363992, MedGen C2750787, MONDO:0013176, OMIM 613195.

Allele frequency attached by ClinVar (database versions not stated): gnomAD exomes 0.00001; gnomAD 0.00003 and 0.00004; TOPMed 0.00003; ESP Exome Variant Server 0.00009; ExAC 0.00012.
gnomAD v4.1: 18 of 1,546,604 alleles (0.0012%); highest among the groups gnomAD compares: Admixed American, 0.006%; no homozygotes.

Submissions (2):

PreventionGenetics, part of Exact Sciences
Classification: Likely benign for ADAMTS17-related condition. Last evaluated: 2025-05-13. Review status: criteria provided, single submitter. Criteria: ACMG Guidelines, 2015. Collection method: clinical testing. Allele origin: germline.
Comment: This variant is classified as likely benign based on ACMG/AMP sequence variant interpretation guidelines (Richards et al. 2015 PMID: 25741868, with internal and published modifications).

Illumina Laboratory Services, Illumina
Classification: Uncertain significance for Weill-Marchesani 4 syndrome, recessive. Last evaluated: 2018-01-13. Review status: criteria provided, single submitter. Criteria: ICSL Variant Classification Criteria 13 December 2019. Collection method: clinical testing. Allele origin: germline.

NM_139057.4(ADAMTS17):c.-7G>A

Gene: ADAMTS17 (ADAM metallopeptidase with thrombospondin type 1 motif 17; minus strand). Cytogenetic location: 15q26.3.
Variant type: single nucleotide variant.
Coding change: c.-7G>A on transcript NM_139057.4 (MANE Select); 7 bases upstream of the start codon, G replaced by A.
Molecular consequence: 5 prime UTR variant.
Genome position (GRCh38, 1-based): chr15:100,341,906, C>T on the plus strand (G>A on the coding strand, the complement: ADAMTS17 is on the minus strand). VCF-style: chr15-100341906-C-T. GRCh37 (hg19) VCF-style: chr15-100882111-C-T.
Other names: c.-7G>A (NM_139057.3).
Identifiers: ClinVar variation 884803 (VCV000884803.5), dbSNP rs371479108, ClinGen allele CA7758782.